The following is an entry in ClinVar:

ClinVar aggregate classification (germline): Uncertain significance. Review status: criteria provided, multiple submitters, no conflicts (2 of 4 stars). 3 submissions from 3 submitters: Uncertain significance (3). Last evaluated 2025-03-27.

Conditions:
Inborn genetic diseases. Identifiers: MedGen C0950123, MeSH D030342.

Allele frequency attached by ClinVar (database versions not stated): TOPMed 0.00002.
gnomAD v4.1: 13 of 1,583,010 alleles (0.00082%); highest among the groups gnomAD compares: African/African-American, 0.0028%; no homozygotes.

Submissions (3):

Ambry Genetics
Classification: Uncertain significance for Inborn genetic diseases. Last evaluated: 2025-03-27. Review status: criteria provided, single submitter. Criteria: Ambry Variant Classification Scheme 2023. Collection method: clinical testing. Allele origin: germline.

Labcorp Genetics (formerly Invitae), Labcorp
Classification: Uncertain significance. Last evaluated: 2025-01-20. Review status: criteria provided, single submitter. Criteria: Invitae Variant Classification Sherloc (09022015). Collection method: clinical testing. Allele origin: germline.
Comment: This sequence change replaces alanine, which is neutral and non-polar, with glycine, which is neutral and non-polar, at codon 98 of the CEP78 protein (p.Ala98Gly). This variant is present in population databases (rs375569426, gnomAD 0.007%). This variant has not been reported in the literature in individuals affected with CEP78-related conditions. ClinVar contains an entry for this variant (Variation ID: 954030). Invitae Evidence Modeling of protein sequence and biophysical properties (such as structural, functional, and spatial information, amino acid conservation, physicochemical variation, residue mobility, and thermodynamic stability) indicates that this missense variant is not expected to disrupt CEP78 protein function with a negative predictive value of 80%. In summary, the available evidence is currently insufficient to determine the role of this variant in disease. Therefore, it has been classified as a Variant of Uncertain Significance.

Blueprint Genetics
Classification: Uncertain significance. Last evaluated: 2024-11-15. Review status: criteria provided, single submitter. Criteria: ACMG Guidelines, 2015. Collection method: clinical testing. Allele origin: germline.

NM_001330691.3(CEP78):c.293C>G (p.Ala98Gly)

Gene: CEP78 (centrosomal protein 78; plus strand). Cytogenetic location: 9q21.2.
Variant type: single nucleotide variant.
Coding change: c.293C>G on transcript NM_001330691.3 (MANE Select); coding-DNA position 293, C replaced by G.
Protein change: p.Ala98Gly; replaces alanine 98 with glycine.
Molecular consequence: missense variant.
Genome position (GRCh38, 1-based): chr9:78,240,062, C>G. VCF-style: chr9-78240062-C-G. GRCh37 (hg19) VCF-style: chr9-80854978-C-G.
Other names: c.293C>G, p.Ala98Gly (NM_001098802.3, NM_001330693.3, NM_001330694.2 and 4 more transcripts); short protein forms A98G.
Identifiers: ClinVar variation 954030 (VCV000954030.11), dbSNP rs375569426, ClinGen allele CA5094873.